The following is an entry in ClinVar:

NM_001080.3(ALDH5A1):c.536T>A (p.Ile179Asn)

Gene: ALDH5A1 (aldehyde dehydrogenase 5 family member A1; plus strand). Cytogenetic location: 6p22.3.
Variant type: single nucleotide variant.
Coding change: c.536T>A on transcript NM_001080.3 (MANE Select); coding-DNA position 536, T replaced by A.
Protein change: p.Ile179Asn; replaces isoleucine 179 with asparagine.
Molecular consequence: missense variant.
Genome position (GRCh38, 1-based): chr6:24,503,360, T>A. VCF-style: chr6-24503360-T-A. GRCh37 (hg19) VCF-style: chr6-24503588-T-A.
Other names: c.536T>A, p.Ile179Asn (NM_001368954.1, NM_170740.1); short protein forms I179N.
Identifiers: ClinVar variation 1878450 (VCV001878450.4), dbSNP rs2532832625, ClinGen allele CA362969594.

ClinVar aggregate classification (germline): Likely pathogenic (1 of 4 stars; one submission).

Conditions:
Succinate-semialdehyde dehydrogenase deficiency (SSADHD). Also called: Succinic Semialdehyde Dehydrogenase Deficiency; SSADH DEFICIENCY; 4-HYDROXYBUTYRIC ACIDURIA; GABA METABOLIC DEFECT. Identifiers: Orphanet 22, MedGen C0268631, MONDO:0010083, OMIM 271980.

Allele frequency attached by ClinVar (database versions not stated): gnomAD exomes below 0.00001.
gnomAD v4.1: 1 of 1,614,132 alleles (0.000062%); highest among the groups gnomAD compares: South Asian, 0.0011%; no homozygotes.

Submission:

Elsea Laboratory, Baylor College of Medicine
Classification: Likely pathogenic for Succinate-semialdehyde dehydrogenase deficiency. Last evaluated: 2021-03-08. Review status: criteria provided, single submitter. Criteria: Martin et al. (J Child Neurol. 2021). Collection method: curation. Allele origin: germline. Affected: yes.
Comment: deficient enzyme activity; oligomerization domain

Literature cited by the submitters: PubMed 33203024; PubMed 32402538.